The following is an entry in ClinVar:

ClinVar aggregate classification (germline): Uncertain significance (1 of 4 stars; one submission).

Submission:

Labcorp Genetics (formerly Invitae), Labcorp
Classification: Uncertain significance. Last evaluated: 2022-12-03. Review status: criteria provided, single submitter. Criteria: Invitae Variant Classification Sherloc (09022015). Collection method: clinical testing. Allele origin: germline.
Comment: In summary, the available evidence is currently insufficient to determine the role of this variant in disease. Therefore, it has been classified as a Variant of Uncertain Significance. Advanced modeling of protein sequence and biophysical properties (such as structural, functional, and spatial information, amino acid conservation, physicochemical variation, residue mobility, and thermodynamic stability) has been performed at Invitae for this missense variant, however the output from this modeling did not meet the statistical confidence thresholds required to predict the impact of this variant on ITPR1 protein function. This variant has not been reported in the literature in individuals affected with ITPR1-related conditions. This variant is not present in population databases (gnomAD no frequency). This sequence change replaces serine, which is neutral and polar, with asparagine, which is neutral and polar, at codon 7 of the ITPR1 protein (p.Ser7Asn).

NM_001378452.1(ITPR1):c.20G>A (p.Ser7Asn)

Gene: ITPR1 (inositol 1,4,5-trisphosphate receptor type 1; plus strand). Cytogenetic location: 3p26.1.
Variant type: single nucleotide variant.
Coding change: c.20G>A on transcript NM_001378452.1 (MANE Select); coding-DNA position 20, G replaced by A.
Protein change: p.Ser7Asn; replaces serine 7 with asparagine.
Molecular consequence: missense variant.
Genome position (GRCh38, 1-based): chr3:4,516,511, G>A. VCF-style: chr3-4516511-G-A. GRCh37 (hg19) VCF-style: chr3-4558195-G-A.
Other names: c.20G>A, p.Ser7Asn (NM_001099952.4, NM_001168272.2, NM_002222.7); short protein forms S7N.
Identifiers: ClinVar variation 2818399 (VCV002818399.3), dbSNP rs2470183025, ClinGen allele CA351793729.